The following is an entry in ClinVar:

NM_194454.3(KRIT1):c.1564-8_1564-4del

Gene: KRIT1 (KRIT1 ankyrin repeat containing; minus strand). Cytogenetic location: 7q21.2.
Variant type: Deletion.
Coding change: c.1564-8_1564-4del on transcript NM_194454.3 (MANE Select); 8 bases into the intron before coding-DNA position 1564 through 4 bases into the intron before coding-DNA position 1564, 5 bases deleted (CCTTT; older notation c.1564-8_1564-4delCCTTT).
Molecular consequence: intron variant.
Genome position (GRCh38, 1-based): chr7:92,214,781-92,214,785, AAAGG deleted on the plus strand (CCTTT on the coding strand, the reverse complement: KRIT1 is on the minus strand); deleting any 5 consecutive bases within chr7:92,214,781-92,214,788 gives the same sequence; the c. name uses the placement nearest the transcript's 3' end. VCF-style (leftmost placement, unchanged base first): chr7-92214780-TAAAGG-T. GRCh37 (hg19) VCF-style: chr7-91844094-TAAAGG-T.
Other names: c.1564-8_1564-4del5 (NM_194456.1); c.1564-8_1564-4del (NM_001350672.1, NM_001350676.1, NM_001350673.1 and 26 more transcripts); c.1420-8_1420-4del (NM_001350669.1, NM_001013406.2, NM_001350670.1); c.850-8_850-4del (NM_001350671.1).
Identifiers: ClinVar variation 2631218 (VCV002631218.1), dbSNP rs2535727550, ClinGen allele CA2695199552.

ClinVar aggregate classification (germline): Uncertain significance (1 of 4 stars; one submission).

Conditions:
KRIT1-related disorder. Also called: KRIT1-related condition; KRIT1-related disorders.

Submission:

PreventionGenetics, part of Exact Sciences
Classification: Uncertain significance for KRIT1-related condition. Last evaluated: 2023-07-28. Review status: criteria provided, single submitter. Criteria: ACMG Guidelines, 2015. Collection method: clinical testing. Allele origin: germline.
Comment: The KRIT1 c.1564-8_1564-4del5 variant is predicted to result in an intronic deletion. To our knowledge, this variant has not been reported in the literature or in a large population database, indicating this variant is rare. At this time, the clinical significance of this variant is uncertain due to the absence of conclusive functional and genetic evidence.